The following is an entry in ClinVar:

ClinVar aggregate classification (germline): Uncertain significance (1 of 4 stars; one submission).

Conditions:
Progressive myoclonic epilepsy. Also called: Myoclonic Epilepsies, Progressive; Familial progressive myoclonic epilepsy; Myoclonus epilepsy; Progressive myoclonus epilepsy. Identifiers: Orphanet 308, Orphanet 98261, MedGen C0751778, MONDO:0020074.

Allele frequency attached by ClinVar (database versions not stated): TOPMed 0.00002; ESP Exome Variant Server 0.00008.

Submission:

Labcorp Genetics (formerly Invitae), Labcorp
Classification: Uncertain significance for Progressive myoclonic epilepsy. Last evaluated: 2024-07-22. Review status: criteria provided, single submitter. Criteria: Invitae Variant Classification Sherloc (09022015). Collection method: clinical testing. Allele origin: germline.
Comment: This sequence change replaces valine, which is neutral and non-polar, with leucine, which is neutral and non-polar, at codon 47 of the CSTB protein (p.Val47Leu). The frequency data for this variant in the population databases is considered unreliable, as metrics indicate poor data quality at this position in the gnomAD database. This variant has not been reported in the literature in individuals affected with CSTB-related conditions. ClinVar contains an entry for this variant (Variation ID: 947718). An algorithm developed to predict the effect of missense changes on protein structure and function (PolyPhen-2) suggests that this variant¬†is likely to be tolerated. In summary, the available evidence is currently insufficient to determine the role of this variant in disease. Therefore, it has been classified as a Variant of Uncertain Significance.

NM_000100.4(CSTB):c.139G>C (p.Val47Leu)

Gene: CSTB (cystatin B; minus strand). Cytogenetic location: 21q22.3.
Variant type: single nucleotide variant.
Coding change: c.139G>C on transcript NM_000100.4 (MANE Select); coding-DNA position 139, G replaced by C.
Protein change: p.Val47Leu; replaces valine 47 with leucine.
Molecular consequence: missense variant.
Genome position (GRCh38, 1-based): chr21:43,774,687, C>G on the plus strand (G>C on the coding strand, the complement: CSTB is on the minus strand). VCF-style: chr21-43774687-C-G. GRCh37 (hg19) VCF-style: chr21-45194568-C-G.
Other names: short protein forms V47L.
Identifiers: ClinVar variation 947718 (VCV000947718.6), dbSNP rs140799752, ClinGen allele CA10048932.
Genomic context (GRCh38, chr21:43,774,687, plus strand): 5'-GGGGCAGGCCCTCCTGAGGCCCACACTCTACCTTGATGAAGTAGTTTGTCCCCGCGACCA[C>G]CTGGCTCTTGAATGACACGGCCTTAAACACAGGGAACTTCTTGTTTTCTTTCTCTTCAAG-3'
Protein context (NP_000091.1, residues 37-57): VFKAVSFKSQ[Val47Leu]VAGTNYFIKV